The following is an entry in ClinVar:

NM_024649.5(BBS1):c.433-2A>G

Gene: BBS1 (Bardet-Biedl syndrome 1; plus strand). Cytogenetic location: 11q13.2.
Variant type: single nucleotide variant.
Coding change: c.433-2A>G on transcript NM_024649.5 (MANE Select); the canonical splice acceptor site of the intron before coding-DNA position 433, A replaced by G.
Molecular consequence: splice acceptor variant.
Genome position (GRCh38, 1-based): chr11:66,515,538, A>G. VCF-style: chr11-66515538-A-G. GRCh37 (hg19) VCF-style: chr11-66283009-A-G.
Identifiers: ClinVar variation 558724 (VCV000558724.4), dbSNP rs1555046748, ClinGen allele CA381457281.

ClinVar aggregate classification (germline): Likely pathogenic. Review status: criteria provided, multiple submitters, no conflicts (2 of 4 stars). 3 submissions from 3 submitters: Likely pathogenic (2). 1 of the submissions does not count toward it. Last evaluated 2026-05-19.

Conditions:
Bardet-Biedl syndrome 1 (BBS1). Identifiers: MedGen C2936862, MONDO:0008854, OMIM 209900. Disease mechanism: loss of function.
Bardet-Biedl syndrome (BBS). Identifiers: Orphanet 110, MedGen C0752166, MONDO:0015229.

Submissions (3):

Women's Health and Genetics/Laboratory Corporation of America, LabCorp
Classification: Likely pathogenic for Bardet-Biedl syndrome. Last evaluated: 2026-05-19. Review status: criteria provided, single submitter. Criteria: LabCorp Variant Classification Summary - May 2015. Collection method: clinical testing. Allele origin: germline.
Comment: Variant summary: BBS1 c.433-2A>G is located in a canonical splice-site and is predicted to affect mRNA splicing resulting in a significantly altered protein due to either exon skipping, shortening, or inclusion of intronic material. Variants that disrupt the consensus splice site are a relatively common cause of aberrant splicing and loss of BBS1 function. Loss-of-function variants in this gene are known to be pathogenic. Several computational tools predict a significant impact on normal splicing: Four predict the variant abolishes a 3' acceptor site. However, these predictions have yet to be confirmed by functional studies. The variant was absent in 251454 control chromosomes. To our knowledge, no occurrence of c.433-2A>G in individuals affected with BBS1-related conditions and no experimental evidence demonstrating its impact on protein function have been reported. ClinVar contains an entry for this variant (Variation ID: 558724). Based on the evidence outlined above, the variant was classified as likely pathogenic.

Baylor Genetics
Classification: Likely pathogenic for Bardet-Biedl syndrome 1. Last evaluated: 2024-03-11. Review status: criteria provided, single submitter. Criteria: ACMG Guidelines, 2015. Collection method: clinical testing. Allele origin: unknown.

Counsyl
Classification: Likely pathogenic for Bardet-Biedl syndrome 1. Last evaluated: 2018-06-07. Review status: no assertion criteria provided. Collection method: clinical testing. Allele origin: unknown. Not counted in ClinVar's aggregate classification.